The following is an entry in ClinVar:

ClinVar aggregate classification (germline): Uncertain significance (1 of 4 stars; one submission).

Conditions:
Marbach-Schaaf neurodevelopmental syndrome (MASNS). Identifiers: Orphanet 692173, MedGen C5562050, MONDO:0859214, OMIM 619680.

Submission:

Institute of Human Genetics, University of Goettingen
Classification: Uncertain significance for Marbach-Schaaf neurodevelopmental syndrome. Last evaluated: 2025-09-22. Review status: criteria provided, single submitter. Criteria: ACMG Guidelines, 2015. Collection method: clinical testing. Allele origin: germline. Inheritance: Autosomal dominant inheritance. Affected: yes. Observed: 1 heterozygote.
Comment: The identified variant in the PRKAR1B gene is classified as a Variant of Uncertain Significance (VUS). It is absent from the gnomAD database and is currently not listed in ClinVar or HGMD [PM2_SUP]. The variant is predicted to be deleterious by the majority of in silico tools (27 out of 32; REVEL score: 0.948) [PP3_STR]. The molecular findings are consistent with aspects of the patient's clinical phenotype. ACMG criteria used for classification: PM2_SUP, PP3_STR.

NM_001164760.2(PRKAR1B):c.604G>A (p.Glu202Lys)

Gene: PRKAR1B (protein kinase cAMP-dependent type I regulatory subunit beta; minus strand). Cytogenetic location: 7p22.3.
Variant type: single nucleotide variant.
Coding change: c.604G>A on transcript NM_001164760.2 (MANE Select); coding-DNA position 604, G replaced by A.
Protein change: p.Glu202Lys; replaces glutamic acid 202 with lysine.
Molecular consequence: missense variant.
Genome position (GRCh38, 1-based): chr7:596,250, C>T on the plus strand (G>A on the coding strand, the complement: PRKAR1B is on the minus strand). VCF-style: chr7-596250-C-T. GRCh37 (hg19) VCF-style: chr7-635887-C-T.
Other names: c.604G>A, p.Glu202Lys (NM_001164758.2, NM_001164759.1, NM_001164761.2 and 2 more transcripts); short protein forms E202K.
Identifiers: ClinVar variation 4280657 (VCV004280657.1).